The following is an entry in ClinVar:

ClinVar aggregate classification (germline): Uncertain significance (1 of 4 stars; one submission).

Allele frequency attached by ClinVar (database versions not stated): gnomAD exomes below 0.00001.
gnomAD v4.1: 1 of 1,613,542 alleles (0.000062%); highest among the groups gnomAD compares: South Asian, 0.0011%; no homozygotes.

Submission:

Labcorp Genetics (formerly Invitae), Labcorp
Classification: Uncertain significance. Last evaluated: 2022-02-28. Review status: criteria provided, single submitter. Criteria: Invitae Variant Classification Sherloc (09022015). Collection method: clinical testing. Allele origin: germline.
Comment: Advanced modeling of protein sequence and biophysical properties (such as structural, functional, and spatial information, amino acid conservation, physicochemical variation, residue mobility, and thermodynamic stability) performed at Invitae indicates that this missense variant is expected to disrupt EIF2B5 protein function. In summary, the available evidence is currently insufficient to determine the role of this variant in disease. Therefore, it has been classified as a Variant of Uncertain Significance. This variant has not been reported in the literature in individuals affected with EIF2B5-related conditions. This variant is not present in population databases (gnomAD no frequency). This sequence change replaces aspartic acid, which is acidic and polar, with tyrosine, which is neutral and polar, at codon 721 of the EIF2B5 protein (p.Asp721Tyr).

NM_003907.3(EIF2B5):c.2161G>T (p.Asp721Tyr)

Gene: EIF2B5 (eukaryotic translation initiation factor 2B subunit epsilon; plus strand). Cytogenetic location: 3q27.1.
Variant type: single nucleotide variant.
Coding change: c.2161G>T on transcript NM_003907.3 (MANE Select); coding-DNA position 2161, G replaced by T.
Protein change: p.Asp721Tyr; replaces aspartic acid 721 with tyrosine.
Molecular consequence: missense variant.
Genome position (GRCh38, 1-based): chr3:184,144,938, G>T. VCF-style: chr3-184144938-G-T. GRCh37 (hg19) VCF-style: chr3-183862726-G-T.
Other names: short protein forms D721Y.
Identifiers: ClinVar variation 1997945 (VCV001997945.4), dbSNP rs2473674387, ClinGen allele CA355396416.